The following is an entry in ClinVar:

ClinVar aggregate classification (germline): Uncertain significance. Review status: criteria provided, multiple submitters, no conflicts (2 of 4 stars). 2 submissions from 2 submitters: Uncertain significance (2). Last evaluated 2025-04-07.

Conditions:
Familial adenomatous polyposis 1 (FAP1). Also called: FAMILIAL ADENOMATOUS POLYPOSIS 1, ATTENUATED; POLYPOSIS, ADENOMATOUS INTESTINAL. Identifiers: MedGen C2713442, MONDO:0021056, OMIM 175100. Disease mechanism: loss of function.
Hereditary cancer-predisposing syndrome. Also called: Tumor predisposition; Neoplastic Syndromes, Hereditary; Hereditary neoplastic syndrome; Hereditary Cancer Syndrome. Identifiers: Orphanet 140162, MedGen C0027672, MeSH D009386, MONDO:0015356.

Allele frequency attached by ClinVar (database versions not stated): gnomAD exomes below 0.00001; TOPMed below 0.00001.

Submissions (2):

Labcorp Genetics (formerly Invitae), Labcorp
Classification: Uncertain significance for Familial adenomatous polyposis 1. Last evaluated: 2025-04-07. Review status: criteria provided, single submitter. Criteria: Invitae Variant Classification Sherloc (09022015). Collection method: clinical testing. Allele origin: germline.
Comment: This sequence change replaces phenylalanine, which is neutral and non-polar, with serine, which is neutral and polar, at codon 1684 of the APC protein (p.Phe1684Ser). This variant is not present in population databases (gnomAD no frequency). This variant has not been reported in the literature in individuals affected with APC-related conditions. ClinVar contains an entry for this variant (Variation ID: 850938). Invitae Evidence Modeling of protein sequence and biophysical properties (such as structural, functional, and spatial information, amino acid conservation, physicochemical variation, residue mobility, and thermodynamic stability) indicates that this missense variant is not expected to disrupt APC protein function with a negative predictive value of 95%. In summary, the available evidence is currently insufficient to determine the role of this variant in disease. Therefore, it has been classified as a Variant of Uncertain Significance.

Ambry Genetics
Classification: Uncertain significance for Hereditary cancer-predisposing syndrome. Last evaluated: 2024-10-22. Review status: criteria provided, single submitter. Criteria: Ambry Variant Classification Scheme 2023. Collection method: clinical testing. Allele origin: germline.
Comment: The p.F1684S variant (also known as c.5051T>C), located in coding exon 15 of the APC gene, results from a T to C substitution at nucleotide position 5051. The phenylalanine at codon 1684 is replaced by serine, an amino acid with highly dissimilar properties. Missense alterations in APC are not a common cause of disease (Spier I et al. Genet Med. 2024 Feb;26(2):100992).This amino acid position is well conserved in available vertebrate species. In addition, in silico predictors for this gene do not accurately predict pathogenicity. Since supporting evidence is limited at this time, the clinical significance of this alteration remains unclear.

NM_000038.6(APC):c.5051T>C (p.Phe1684Ser)

Gene: APC (APC regulator of Wnt signaling pathway; plus strand). Cytogenetic location: 5q22.2.
Variant type: single nucleotide variant.
Coding change: c.5051T>C on transcript NM_000038.6 (MANE Select); coding-DNA position 5051, T replaced by C.
Protein change: p.Phe1684Ser; replaces phenylalanine 1684 with serine.
Molecular consequence: missense variant.
Genome position (GRCh38, 1-based): chr5:112,840,645, T>C. VCF-style: chr5-112840645-T-C. GRCh37 (hg19) VCF-style: chr5-112176342-T-C.
Other names: c.5051T>C, p.Phe1684Ser (NM_001127510.3, NM_001354895.2); c.4997T>C, p.Phe1666Ser (NM_001127511.3); c.5105T>C, p.Phe1702Ser (NM_001354896.2); c.5081T>C, p.Phe1694Ser (NM_001354897.2); c.4976T>C, p.Phe1659Ser (NM_001354898.2); c.4967T>C, p.Phe1656Ser (NM_001354899.2); c.4928T>C, p.Phe1643Ser (NM_001354900.2); c.4874T>C, p.Phe1625Ser (NM_001354901.2); and 5 more; short protein forms F1401S, F1583S, F1558S, F1625S, F1643S, F1656S, F1659S, F1694S.
Identifiers: ClinVar variation 850938 (VCV000850938.14), dbSNP rs1765835321, ClinGen allele CA16032377.